The following is an entry in ClinVar:

NM_001613.4(ACTA2):c.966A>C (p.Leu322=)

Genes: ACTA2-AS1 (ACTA2 antisense RNA 1; plus strand), ACTA2 (actin alpha 2, smooth muscle; minus strand). Cytogenetic location: 10q23.31.
Variant type: single nucleotide variant.
Coding change: c.966A>C on transcript NM_001613.4 (MANE Select); coding-DNA position 966, A replaced by C.
Protein change: p.Leu322=; no amino-acid change (leucine 322 retained).
Molecular consequence: synonymous variant.
Genome position (GRCh38, 1-based): chr10:88,938,085, T>G on the plus strand (A>C on the coding strand, the complement: ACTA2 is on the minus strand). VCF-style: chr10-88938085-T-G. GRCh37 (hg19) VCF-style: chr10-90697842-T-G.
Other names: c.966A>C, p.Leu322= (NM_001141945.3, NM_001320855.2, NM_001406462.1 and 2 more transcripts); c.855A>C, p.Leu285= (NM_001406466.1); c.837A>C, p.Leu279= (NM_001406467.1, NM_001406468.1, NM_001406469.1); c.774A>C, p.Leu258= (NM_001406471.1).
Identifiers: ClinVar variation 3075537 (VCV003075537.1), dbSNP rs1589391330, ClinGen allele CA470729808.

ClinVar aggregate classification (germline): Likely benign (1 of 4 stars; one submission).

Conditions:
Familial thoracic aortic aneurysm and aortic dissection (TAAD). Also called: Thoracic aortic aneurysms and dissections. Identifiers: Orphanet 91387, MedGen C4707243, MONDO:0019625.

Submission:

All of Us Research Program, National Institutes of Health
Classification: Likely benign for Familial thoracic aortic aneurysm and aortic dissection. Last evaluated: 2023-02-24. Review status: criteria provided, single submitter. Criteria: ACMG Guidelines, 2015. Collection method: clinical testing. Allele origin: germline. Inheritance: Autosomal dominant inheritance. Observed: 1 variant allele, 1 heterozygote.
Comment: This study involves interpretation of variants in research participants for the purpose of population health screening. Participant phenotype was not available at the time of variant classification. Additional details can be found in publication PMID: 35346344, PMCID: PMC8962531